The following is an entry in ClinVar:

NM_001035.3(RYR2):c.9995C>T (p.Thr3332Met)

Gene: RYR2 (ryanodine receptor 2; plus strand). Cytogenetic location: 1q43.
Variant type: single nucleotide variant.
Coding change: c.9995C>T on transcript NM_001035.3 (MANE Select); coding-DNA position 9995, C replaced by T.
Protein change: p.Thr3332Met; replaces threonine 3332 with methionine.
Molecular consequence: missense variant.
Genome position (GRCh38, 1-based): chr1:237,708,951, C>T. VCF-style: chr1-237708951-C-T. GRCh37 (hg19) VCF-style: chr1-237872251-C-T.
Other names: c.9995C>T, p.Thr3332Met (LRG_402t1); short protein forms T3332M.
Identifiers: ClinVar variation 296745 (VCV000296745.20), dbSNP rs774437805, ClinGen allele CA087992.

ClinVar aggregate classification (germline): Conflicting classifications of pathogenicity. Review status: criteria provided, conflicting classifications (1 of 4 stars). 6 submissions from 5 submitters: Uncertain significance (2); Likely benign (4). Last evaluated 2024-09-04.

Conditions:
Cardiovascular phenotype. Identifiers: MedGen CN230736.
Catecholaminergic polymorphic ventricular tachycardia (CVPT). Also called: Catecholamine-induced polymorphic ventricular tachycardia. Identifiers: Orphanet 3286, MedGen C5574922, MONDO:0017990.
Arrhythmogenic right ventricular dysplasia 2. Identifiers: MedGen C1832931.
Cardiomyopathy (CMYO). Also called: Cardiomyopathies. Identifiers: Orphanet 167848, MedGen C0878544, MONDO:0004994, HP:0001638. Inheritance: Various modes of inheritance.
Catecholaminergic polymorphic ventricular tachycardia 1. Also called: VENTRICULAR TACHYCARDIA, CATECHOLAMINERGIC POLYMORPHIC, 1, WITH OR WITHOUT ATRIAL DYSFUNCTION AND/OR DILATED CARDIOMYOPATHY; VENTRICULAR TACHYCARDIA, STRESS-INDUCED POLYMORPHIC 1; RYR2-Related Catecholaminergic Polymorphic Ventricular Tachycardia. Identifiers: Orphanet 3286, MedGen C1631597, MONDO:0011484, OMIM 604772.

Allele frequency attached by ClinVar (database versions not stated): gnomAD 0.00001; gnomAD exomes 0.00001 and 0.00002; TOPMed 0.00001; ExAC 0.00004.
gnomAD v4.1: 11 of 1,613,310 alleles (0.00068%); highest among the groups gnomAD compares: Admixed American, 0.01%; no homozygotes.

Submissions (6):

Color Diagnostics, LLC DBA Color Health
Classification: Likely benign for Cardiomyopathy. Last evaluated: 2024-09-04. Review status: criteria provided, single submitter. Criteria: ACMG Guidelines, 2015. Collection method: clinical testing. Allele origin: germline.

All of Us Research Program, National Institutes of Health
Classification: Likely benign for Catecholaminergic polymorphic ventricular tachycardia. Last evaluated: 2023-11-02. Review status: criteria provided, single submitter. Criteria: ACMG Guidelines, 2015. Collection method: clinical testing. Allele origin: germline. Inheritance: Autosomal dominant inheritance. Observed: 2 variant alleles, 2 heterozygotes.
Comment: This study involves interpretation of variants in research participants for the purpose of population health screening. Participant phenotype was not available at the time of variant classification. Additional details can be found in publication PMID: 35346344, PMCID: PMC8962531

Labcorp Genetics (formerly Invitae), Labcorp
Classification: Uncertain significance for Catecholaminergic polymorphic ventricular tachycardia 1. Last evaluated: 2023-02-09. Review status: criteria provided, single submitter. Criteria: Invitae Variant Classification Sherloc (09022015). Collection method: clinical testing. Allele origin: germline.
Comment: This sequence change replaces threonine, which is neutral and polar, with methionine, which is neutral and non-polar, at codon 3332 of the RYR2 protein (p.Thr3332Met). This variant is present in population databases (rs774437805, gnomAD 0.01%). In summary, the available evidence is currently insufficient to determine the role of this variant in disease. Therefore, it has been classified as a Variant of Uncertain Significance. Advanced modeling of protein sequence and biophysical properties (such as structural, functional, and spatial information, amino acid conservation, physicochemical variation, residue mobility, and thermodynamic stability) performed at Invitae indicates that this missense variant is not expected to disrupt RYR2 protein function. ClinVar contains an entry for this variant (Variation ID: 296745). This variant has not been reported in the literature in individuals affected with RYR2-related conditions.

Ambry Genetics
Classification: Likely benign for Cardiovascular phenotype. Last evaluated: 2021-11-29. Review status: criteria provided, single submitter. Criteria: Ambry Variant Classification Scheme 2023. Collection method: clinical testing. Allele origin: germline.

Illumina Laboratory Services, Illumina
Classification: Likely benign for Catecholaminergic polymorphic ventricular tachycardia 1. Last evaluated: 2018-01-13. Review status: criteria provided, single submitter. Criteria: ICSL Variant Classification Criteria 13 December 2019. Collection method: clinical testing. Allele origin: germline.
Comment: This variant was observed in the ICSL laboratory as part of a predisposition screen in an ostensibly healthy population. It had not been previously curated by ICSL or reported in the Human Gene Mutation Database (HGMD: prior to June 1st, 2018), and was therefore a candidate for classification through an automated scoring system. Utilizing variant allele frequency, disease prevalence and penetrance estimates, and inheritance mode, an automated score was calculated to assess if this variant is too frequent to cause the disease. Based on the score and internal cut-off values, a variant classified as likely benign is not then subjected to further curation. The score for this variant resulted in a classification of likely benign for this disease.

Illumina Laboratory Services, Illumina
Classification: Uncertain significance for Catecholaminergic polymorphic ventricular tachycardia 1. Last evaluated: 2018-01-13. Review status: criteria provided, single submitter. Criteria: ICSL Variant Classification Criteria 13 December 2019. Collection method: clinical testing. Allele origin: germline.